The following is an entry in ClinVar:

NM_001199107.2(TBC1D24):c.630G>A (p.Ala210=)

Gene: TBC1D24 (TBC1 domain family member 24; plus strand). Cytogenetic location: 16p13.3.
Variant type: single nucleotide variant.
Coding change: c.630G>A on transcript NM_001199107.2 (MANE Select); coding-DNA position 630, G replaced by A.
Protein change: p.Ala210=; no amino-acid change (alanine 210 retained).
Molecular consequence: synonymous variant.
Genome position (GRCh38, 1-based): chr16:2,496,778, G>A. VCF-style: chr16-2496778-G-A. GRCh37 (hg19) VCF-style: chr16-2546779-G-A.
Other names: p.A210A:GCG>GCA; c.630G>A, p.Ala210= (NM_020705.3).
Identifiers: ClinVar variation 207485 (VCV000207485.15), dbSNP rs776459372, ClinGen allele CA318991.

ClinVar aggregate classification (germline): Benign/Likely benign. Review status: criteria provided, multiple submitters, no conflicts (2 of 4 stars). 5 submissions from 5 submitters: Benign (1); Likely benign (4). Last evaluated 2026-09-01.

Conditions:
Autosomal dominant nonsyndromic hearing loss 65. Also called: TBC1D24-Related Autosomal Dominant Nonsyndromic Hearing Loss (DFNA); Deafness, autosomal dominant 65. Identifiers: Orphanet 90635, MedGen C3892048, MONDO:0014470, OMIM 616044.
Developmental and epileptic encephalopathy, 1 (DEE1). Also called: Epileptic encephalopathy, early infantile, 1; OHTAHARA SYNDROME, X-LINKED; X-linked infantile spasms; West's syndrome; Tonic spasms with clustering, arrest of psychomotor development and hypsarrhythmia on EEG; X-Linked Infantile Spasm Syndrome. Identifiers: MedGen C3463992, MONDO:0010632, OMIM 308350. Disease mechanism: loss of function.
TBC1D24-related disorder. Also called: TBC1D24-related disorders; TBC1D24-related condition. Identifiers: MedGen CN381194.

Allele frequency attached by ClinVar (database versions not stated): gnomAD 0.00001 and 0.00003; TOPMed 0.00001; ExAC 0.00014.
gnomAD v4.1: 99 of 1,613,866 alleles (0.0061%); highest among the groups gnomAD compares: South Asian, 0.071%; no homozygotes.

Submissions (5):

CeGaT Center for Human Genetics Tuebingen
Classification: Likely benign. Last evaluated: 2026-09-01. Review status: criteria provided, single submitter. Criteria: CeGaT Center For Human Genetics Tuebingen Variant Classification Criteria Version 2. Collection method: clinical testing. Allele origin: germline. Affected: yes. Observed: 2 variant alleles.
Comment: TBC1D24: BP4, BP7

PreventionGenetics, part of Exact Sciences
Classification: Likely benign for TBC1D24-related condition. Last evaluated: 2026-07-16. Review status: criteria provided, single submitter. Criteria: ACMG Guidelines, 2015. Collection method: clinical testing. Allele origin: germline.
Comment: This variant is classified as likely benign based on ACMG/AMP sequence variant interpretation guidelines (Richards et al. 2015 PMID: 25741868, with internal and published modifications).

Labcorp Genetics (formerly Invitae), Labcorp
Classification: Likely benign for Developmental and epileptic encephalopathy, 1; Autosomal dominant nonsyndromic hearing loss 65. Last evaluated: 2025-05-12. Review status: criteria provided, single submitter. Criteria: Invitae Variant Classification Sherloc (09022015). Collection method: clinical testing. Allele origin: germline.

Blueprint Genetics
Classification: Likely benign. Last evaluated: 2024-08-26. Review status: criteria provided, single submitter. Criteria: ACMG Guidelines, 2015. Collection method: clinical testing. Allele origin: germline.

GeneDx
Classification: Benign. Last evaluated: 2014-12-23. Review status: criteria provided, single submitter. Criteria: GeneDx Variant Classification (06012015). Collection method: clinical testing. Allele origin: germline. Affected: yes.
Comment: This variant is considered likely benign or benign based on one or more of the following criteria: it is a conservative change, it occurs at a poorly conserved position in the protein, it is predicted to be benign by multiple in silico algorithms, and/or has population frequency not consistent with disease.